The following is an entry in ClinVar:

ClinVar aggregate classification (germline): Likely benign. Review status: criteria provided, single submitter (1 of 4 stars). 2 submissions from 2 submitters: Likely benign (1). 1 of the submissions does not count toward it. Last evaluated 2021-12-19.

Conditions:
G6PD-related disorder. Also called: G6PD-related condition.

Allele frequency attached by ClinVar (database versions not stated): 1000 Genomes Project 30x 0.00021.
gnomAD v4.1: 158 of 1,154,274 alleles (0.014%); highest among the groups gnomAD compares: Non-Finnish European, 0.017%; no homozygotes.

Submissions (2):

ARUP Laboratories, Molecular Genetics and Genomics, ARUP Laboratories
Classification: Likely benign. Last evaluated: 2021-12-19. Review status: criteria provided, single submitter. Criteria: ARUP Molecular Germline Variant Investigation Process 2021. Collection method: clinical testing. Allele origin: germline.

PreventionGenetics, part of Exact Sciences
Classification: Likely benign for G6PD-related condition. Last evaluated: 2024-03-23. Review status: no assertion criteria provided. Collection method: clinical testing. Allele origin: germline. Not counted in ClinVar's aggregate classification.
Comment: This variant is classified as likely benign based on ACMG/AMP sequence variant interpretation guidelines (Richards et al. 2015 PMID: 25741868, with internal and published modifications).

NM_001360016.2(G6PD):c.-9+10C>T

Genes: G6PD (glucose-6-phosphate dehydrogenase; minus strand), IKBKG (inhibitor of nuclear factor kappa B kinase regulatory subunit gamma; plus strand), LOC107181288 (origin of replication in promoter of G6PD; plus strand), LOC129929052 (ATAC-STARR-seq lymphoblastoid silent region 21114; plus strand). Cytogenetic location: Xq28.
Variant type: single nucleotide variant.
Coding change: c.-9+10C>T on transcript NM_001360016.2 (MANE Select); 10 bases into the intron after 9 bases upstream of the start codon, C replaced by T.
Molecular consequence: intron variant.
Genome position (GRCh38, 1-based): chrX:154,546,779, G>A on the plus strand (C>T on the coding strand, the complement: G6PD is on the minus strand). VCF-style: chrX-154546779-G-A. GRCh37 (hg19) VCF-style: chrX-153774994-G-A.
Other names: c.82+10C>T (NM_000402.4); c.-8-616C>T (NM_001042351.3); c.-15-5209G>A (NM_001377312.1, NM_001377313.1); c.189+4327G>A (NM_001099856.6); c.-16+4392G>A (NM_001321396.3).
Identifiers: ClinVar variation 1679436 (VCV001679436.8), dbSNP rs935099185, ClinGen allele CA337293381.